The following is an entry in ClinVar:

ClinVar aggregate classification (germline): Uncertain significance (1 of 4 stars; one submission).

Conditions:
Intellectual disability, autosomal recessive 42 (NEDDSBA). Also called: GLYCOSYLPHOSPHATIDYLINOSITOL BIOSYNTHESIS DEFECT 9; Neurodevelopmental disorder with dysmorphic features, spasticity, and brain abnormalities. Identifiers: Orphanet 88616, MedGen C4014343, MONDO:0014348, OMIM 615802.

Submission:

Labcorp Genetics (formerly Invitae), Labcorp
Classification: Uncertain significance for Intellectual disability, autosomal recessive 42. Last evaluated: 2024-12-16. Review status: criteria provided, single submitter. Criteria: Invitae Variant Classification Sherloc (09022015). Collection method: clinical testing. Allele origin: germline.
Comment: This sequence change replaces glycine, which is neutral and non-polar, with serine, which is neutral and polar, at codon 31 of the PGAP1 protein (p.Gly31Ser). This variant is not present in population databases (gnomAD no frequency). This variant has not been reported in the literature in individuals affected with PGAP1-related conditions. ClinVar contains an entry for this variant (Variation ID: 1984909). Invitae Evidence Modeling of protein sequence and biophysical properties (such as structural, functional, and spatial information, amino acid conservation, physicochemical variation, residue mobility, and thermodynamic stability) indicates that this missense variant is not expected to disrupt PGAP1 protein function with a negative predictive value of 80%. In summary, the available evidence is currently insufficient to determine the role of this variant in disease. Therefore, it has been classified as a Variant of Uncertain Significance.

NM_024989.4(PGAP1):c.91G>A (p.Gly31Ser)

Gene: PGAP1 (post-GPI attachment to proteins inositol deacylase 1; minus strand). Cytogenetic location: 2q33.1.
Variant type: single nucleotide variant.
Coding change: c.91G>A on transcript NM_024989.4 (MANE Select); coding-DNA position 91, G replaced by A.
Protein change: p.Gly31Ser; replaces glycine 31 with serine.
Molecular consequence: missense variant. On other transcripts: 5 prime UTR variant (2).
Genome position (GRCh38, 1-based): chr2:196,926,526, C>T on the plus strand (G>A on the coding strand, the complement: PGAP1 is on the minus strand). VCF-style: chr2-196926526-C-T. GRCh37 (hg19) VCF-style: chr2-197791250-C-T.
Other names: c.-516G>A (NM_001321099.2); c.-1021G>A (NM_001321100.2); short protein forms G31S.
Identifiers: ClinVar variation 1984909 (VCV001984909.4), dbSNP rs2468740503, ClinGen allele CA350182135.